The following is an entry in ClinVar:

NM_017950.4(CCDC40):c.2236-213_2832+2269del

Gene: CCDC40 (coiled-coil domain 40 molecular ruler complex subunit; plus strand). Cytogenetic location: 17q25.3.
Variant type: Deletion.
Coding change: c.2236-213_2832+2269del on transcript NM_017950.4 (MANE Select); 213 bases into the intron before coding-DNA position 2236 through 2269 bases into the intron after coding-DNA position 2832, 6,364 bases deleted.
Molecular consequence: splice acceptor variant, splice donor variant.
Genome position (GRCh38, 1-based): chr17:80,085,790-80,092,153, 6,364 bases deleted. GRCh37 (hg19): chr17:78,059,589-78,065,952.
Identifiers: ClinVar variation 2505170 (VCV002505170.4), ClinGen allele CA2580613254.

ClinVar aggregate classification (germline): Pathogenic (1 of 4 stars; one submission).

Conditions:
Primary ciliary dyskinesia 15. Also called: CILIARY DYSKINESIA, PRIMARY, 15, WITH OR WITHOUT SITUS INVERSUS. Identifiers: Orphanet 244, MedGen C3151137, MONDO:0013435, OMIM 613808.

Submission:

The Research Institute of Tuberculosis, Japan Anti-Tuberculosis Association
Classification: Pathogenic for Primary ciliary dyskinesia 15. Last evaluated: 2021-07-03. Review status: criteria provided, single submitter. Criteria: ACMG Guidelines, 2015. Collection method: research. Allele origin: unknown. Inheritance: Autosomal recessive inheritance. Affected: yes. Observed: 2 variant alleles, 2 compound heterozygotes. Clinical features observed: Primary ciliary dyskinesia (HP:0012265).
Comment: Two affected patients carried the same large deletion, for which abnormal splicing patterns indicated skipping of CCDC40 exons 14–17. The CNV has both breakpoints within the same gene for which loss of function is an established disease mechanism and affects its coding region. The deleted region encompasses multiple loss-of-function variants. Final classification: Pathogenic.

Literature cited by the submitters: PubMed 37260176.